The following is an entry in ClinVar:

NM_001330574.2(ZNF711):c.124GTT[1] (p.Val43del)

Gene: ZNF711 (ZFX family zinc finger ZNF711; plus strand). Cytogenetic location: Xq21.1.
Variant type: Microsatellite.
Coding change: c.124GTT[1] on transcript NM_001330574.2 (MANE Select); one copy of the 3-base unit GTT starting at c.124; the reference has two copies in a row; one copy, 3 bases deleted.
Protein change: p.Val43del; deletes valine 43.
Molecular consequence: inframe deletion.
Genome position (GRCh38, 1-based): chrX:85,255,306-85,255,308, GTT deleted; deleting any 3 consecutive bases within chrX:85,255,301-85,255,308 gives the same sequence; the position shown is the placement nearest the transcript's 3' end. VCF-style (leftmost placement, unchanged base first): chrX-85255300-ATTG-A. GRCh37 (hg19) VCF-style: chrX-84510306-ATTG-A.
Other names: c.124GTT[1], p.Val43del (NM_001375431.1, NM_001375432.1, NM_001375433.1 and 5 more transcripts); c.127_129delGTT (NM_001330574.2); short protein forms V43del.
Identifiers: ClinVar variation 130849 (VCV000130849.10), dbSNP rs587780527, ClinGen allele CA231686.

ClinVar aggregate classification (germline): Uncertain significance. Review status: criteria provided, multiple submitters, no conflicts (2 of 4 stars). 2 submissions from 2 submitters: Uncertain significance (2). Last evaluated 2019-12-02.

Conditions:
Intellectual developmental disorder, X-linked 97. Also called: Intellectual disability, X-linked 97. Identifiers: Orphanet 777, MedGen C2749020, MONDO:0010430, OMIM 300803.

Submissions (2):

GeneDx
Classification: Uncertain significance. Last evaluated: 2019-12-02. Review status: criteria provided, single submitter. Criteria: GeneDx Variant Classification Process June 2021. Collection method: clinical testing. Allele origin: germline. Affected: yes.
Comment: Not observed in large population cohorts (Lek et al., 2016); In-frame deletion of 1 amino acid in a non-repeat region; In silico analysis, which includes protein predictors and evolutionary conservation, supports a deleterious effect; Has not been previously published as pathogenic or benign to our knowledge

Genetic Services Laboratory, University of Chicago
Classification: Uncertain significance. Last evaluated: 2013-07-19. Review status: criteria provided, single submitter. Criteria: ACMG Guidelines, 2007. Collection method: clinical testing. Allele origin: germline. Inheritance: X-linked inheritance.